The following is an entry in ClinVar:

NM_001367624.2(ZNF469):c.10763G>A (p.Gly3588Glu)

Gene: ZNF469 (zinc finger protein 469; plus strand). Cytogenetic location: 16q24.2.
Variant type: single nucleotide variant.
Coding change: c.10763G>A on transcript NM_001367624.2 (MANE Select); coding-DNA position 10763, G replaced by A.
Protein change: p.Gly3588Glu; replaces glycine 3588 with glutamic acid.
Molecular consequence: missense variant.
Genome position (GRCh38, 1-based): chr16:88,438,233, G>A. VCF-style: chr16-88438233-G-A. GRCh37 (hg19) VCF-style: chr16-88504641-G-A.
Other names: NM_001127464.1:c.10679G>A; short protein forms G3588E.
Identifiers: ClinVar variation 1350798 (VCV001350798.9), dbSNP rs1294443050, ClinGen allele CA397127744.

ClinVar aggregate classification (germline): Uncertain significance. Review status: criteria provided, multiple submitters, no conflicts (2 of 4 stars). 3 submissions from 3 submitters: Uncertain significance (3). Last evaluated 2025-12-22.

Conditions:
Cardiovascular phenotype. Identifiers: MedGen CN230736.

Allele frequency attached by ClinVar (database versions not stated): gnomAD 0.00001; gnomAD exomes 0.00004 and 0.00011; TOPMed 0.00005.
gnomAD v4.1: 23 of 1,547,344 alleles (0.0015%); highest among the groups gnomAD compares: Admixed American, 0.037%; no homozygotes.

Submissions (3):

Women's Health and Genetics/Laboratory Corporation of America, LabCorp
Classification: Uncertain significance. Last evaluated: 2025-12-22. Review status: criteria provided, single submitter. Criteria: LabCorp Variant Classification Summary - May 2015. Collection method: clinical testing. Allele origin: germline.
Comment: Variant summary: ZNF469 c.10763G>A (p.Gly3588Glu) results in a non-conservative amino acid change in the encoded protein sequence. Algorithms developed to predict the effect of missense changes on protein structure and function are either unavailable or do not agree on the potential impact of this missense change. The variant allele was found at a frequency of 0.00011 in 151368 control chromosomes. This frequency is not significantly higher than estimated for disease-causing variants in ZNF469, allowing no conclusion about variant significance. To our knowledge, no occurrence of c.10763G>A in individuals affected with ZNF469-related conditions and no experimental evidence demonstrating its impact on protein function have been reported. ClinVar contains an entry for this variant (Variation ID: 1350798). Based on the evidence outlined above, the variant was classified as uncertain significance.

Labcorp Genetics (formerly Invitae), Labcorp
Classification: Uncertain significance. Last evaluated: 2024-10-24. Review status: criteria provided, single submitter. Criteria: Invitae Variant Classification Sherloc (09022015). Collection method: clinical testing. Allele origin: germline.
Comment: This sequence change replaces glycine, which is neutral and non-polar, with glutamic acid, which is acidic and polar, at codon 3560 of the ZNF469 protein (p.Gly3560Glu). This variant is present in population databases (no rsID available, gnomAD 0.06%). This variant has not been reported in the literature in individuals affected with ZNF469-related conditions. ClinVar contains an entry for this variant (Variation ID: 1350798). An algorithm developed to predict the effect of missense changes on protein structure and function outputs the following: PolyPhen-2: "Benign". The glutamic acid amino acid residue is found in multiple mammalian species, which suggests that this missense change does not adversely affect protein function. In summary, the available evidence is currently insufficient to determine the role of this variant in disease. Therefore, it has been classified as a Variant of Uncertain Significance.

Ambry Genetics
Classification: Uncertain significance for Cardiovascular phenotype. Last evaluated: 2020-01-22. Review status: criteria provided, single submitter. Criteria: Ambry Variant Classification Scheme 2023. Collection method: clinical testing. Allele origin: germline.
Comment: The p.G3560E variant (also known as c.10679G>A), located in coding exon 2 of the ZNF469 gene, results from a G to A substitution at nucleotide position 10679. The glycine at codon 3560 is replaced by glutamic acid, an amino acid with similar properties. This amino acid position is poorly conserved in available vertebrate species. In addition, this alteration is predicted to be tolerated by in silico analysis. Since supporting evidence is limited at this time, the clinical significance of this alteration remains unclear.